The following is an entry in ClinVar:

NM_001367624.2(ZNF469):c.10294C>T (p.Gln3432Ter)

Gene: ZNF469 (zinc finger protein 469; plus strand). Cytogenetic location: 16q24.2.
Variant type: single nucleotide variant.
Coding change: c.10294C>T on transcript NM_001367624.2 (MANE Select); coding-DNA position 10294, C replaced by T.
Protein change: p.Gln3432Ter; replaces glutamine 3432 with a stop codon.
Molecular consequence: nonsense.
Genome position (GRCh38, 1-based): chr16:88,437,764, C>T. VCF-style: chr16-88437764-C-T. GRCh37 (hg19) VCF-style: chr16-88504172-C-T.
Other names: short protein forms Q3432*.
Identifiers: ClinVar variation 426408 (VCV000426408.1), dbSNP rs1085307609, ClinGen allele CA397126460.

ClinVar aggregate classification (germline): Uncertain significance (1 of 4 stars; one submission).

Submission:

GeneDx
Classification: Uncertain significance. Last evaluated: 2017-04-18. Review status: criteria provided, single submitter. Criteria: GeneDx Variant Classification (06012015). Collection method: clinical testing. Allele origin: germline. Affected: yes.
Comment: The Q3404X variant has not been published as pathogenic or been reported as benign to our knowledge. It is not observed in large population cohorts (Lek et al., 2016; 1000 Genomes Consortium et al., 2015; Exome Variant Server). The Q3404X variant is predicted to result in protein truncation with the loss of the last 523 amino acids. Other nonsense variants in the ZNF469 gene have been reported in Human Gene Mutation Database in association with brittle cornea syndrome, however, none are near or downstream from this variant (Stenson et al., 2014). In the absence of functional studies, the physiological consequence of this variant cannot be precisely determined. In addition, this variant lacks observation in a significant number of affected individuals and segregation data, which would further clarify pathogenicity.